The following is an entry in ClinVar:

ClinVar aggregate classification (germline): Uncertain significance (1 of 4 stars; one submission).

Submission:

GeneDx
Classification: Uncertain significance. Last evaluated: 2024-07-05. Review status: criteria provided, single submitter. Criteria: GeneDx Variant Classification Process June 2021. Collection method: clinical testing. Allele origin: germline. Affected: yes.
Comment: Not observed at significant frequency in large population cohorts (gnomAD); In silico analysis indicates that this missense variant does not alter protein structure/function; Has not been previously published as pathogenic or benign to our knowledge

NM_004187.5(KDM5C):c.806C>T (p.Pro269Leu)

Gene: KDM5C (lysine demethylase 5C; minus strand). Cytogenetic location: Xp11.22.
Variant type: single nucleotide variant.
Coding change: c.806C>T on transcript NM_004187.5 (MANE Select); coding-DNA position 806, C replaced by T.
Protein change: p.Pro269Leu; replaces proline 269 with leucine.
Molecular consequence: missense variant. On other transcripts: non-coding transcript variant (3).
Genome position (GRCh38, 1-based): chrX:53,215,952, G>A on the plus strand (C>T on the coding strand, the complement: KDM5C is on the minus strand). VCF-style: chrX-53215952-G-A. GRCh37 (hg19) VCF-style: chrX-53245134-G-A.
Other names: c.605C>T, p.Pro202Leu (NM_001146702.2); c.803C>T, p.Pro268Leu (NM_001282622.3, NM_001353979.2, NM_001353982.2); c.806C>T, p.Pro269Leu (NM_001353978.3, NM_001353981.2, NM_001353984.2); short protein forms P269L, P268L, P202L.
Identifiers: ClinVar variation 3572668 (VCV003572668.1).